The following is an entry in ClinVar:

NM_000492.4(CFTR):c.1327_1330dup (p.Ile444fs)

Genes: CFTR (CF transmembrane conductance regulator; plus strand), CFTR-AS1 (CFTR antisense RNA 1; minus strand). Cytogenetic location: 7q31.2.
Variant type: Duplication.
Coding change: c.1327_1330dup on transcript NM_000492.4 (MANE Select); coding-DNA positions 1327 to 1330, 4 bases duplicated (GATA; older notation c.1327_1330dupGATA).
Protein change: p.Ile444fs; shifts the reading frame from isoleucine 444.
Molecular consequence: frameshift variant.
Genome position (GRCh38, 1-based): chr7:117,548,758-117,548,761, GATA duplicated; duplicating any 4 consecutive bases within chr7:117,548,757-117,548,761 gives the same sequence; the c. name uses the placement nearest the transcript's 3' end. VCF-style (leftmost placement, unchanged base first): chr7-117548756-A-AAGAT. GRCh37 (hg19) VCF-style: chr7-117188810-A-AAGAT.
Other names: 1461ins4; c.1327_1330dupGATA (NM_000492.3); short protein forms I444fs.
Identifiers: ClinVar variation 188958 (VCV000188958.30), dbSNP rs397508189, ClinGen allele CA274185.

ClinVar aggregate classification (germline): Pathogenic. Review status: reviewed by expert panel (3 of 4 stars). 18 submissions from 17 submitters: Pathogenic (1). 17 of the submissions do not count toward it. Last evaluated 2017-03-17.

Conditions:
CFTR-related disorder (CFTR-RD). Also called: CFTR-related disorders; CFTR-related condition. Identifiers: MedGen C5924204, MONDO:7770004.
Congenital bilateral aplasia of vas deferens from CFTR mutation (CBAVD). Identifiers: Orphanet 48, MedGen C0403814, MONDO:0010178, OMIM 277180. Disease mechanism: loss of function.
Cystic fibrosis (CF). Also called: MUCOVISCIDOSIS. Identifiers: Orphanet 586, MedGen C0010674, MONDO:0009061, OMIM 219700. Disease mechanism: loss of function.
Hereditary pancreatitis (PCTT). Also called: PRSS1-Related Hereditary Pancreatitis; Hereditary chronic pancreatitis. Identifiers: Orphanet 676, MedGen C0238339, MONDO:0008185, OMIM 167800.
Bronchiectasis with or without elevated sweat chloride 1 (BESC1). Also called: Cystic Fibrosis-Like Syndrome. Identifiers: Orphanet 60033, MedGen C2749757, MONDO:0008887, OMIM 211400.

Submissions (18):

CFTR2
Classification: Pathogenic for Cystic fibrosis. Last evaluated: 2017-03-17. Review status: reviewed by expert panel. Criteria: Sosnay PR et al. (Nat Genet 2013). Collection method: research. Allele origin: germline. Affected: yes. Study: CFTR2.

Natera, Inc.
Classification: Pathogenic for CFTR-related disorders. Last evaluated: 2025-12-22. Review status: criteria provided, single submitter. Criteria: Natera Variant Classification Schema (03/2026). Collection method: clinical testing. Allele origin: germline. Not counted in ClinVar's aggregate classification.
Comment: The c.1327_1330dupGATA variant in CFTR is a frameshift variant predicted to shift the reading frame beginning at codon 444 and leads to a stop codon 3 codons downstream. This variant is expected to result in nonsense mediated decay, truncation, or a dysfunctional protein product. This variant is rare in the general population with a frequency below the threshold expected for the associated phenotype(s). This variant has been observed in one or more individuals affected with the associated recessive disease, as either homozygous or compound heterozygous with a second variant (PMID: 12454843, 36437230). Given the available evidence, this variant is classified as Pathogenic.

Otogenetics
Classification: Pathogenic for Cystic fibrosis; Congenital bilateral aplasia of vas deferens from CFTR mutation. Last evaluated: 2025-11-19. Review status: criteria provided, single submitter. Criteria: ACMG Guidelines, 2015. Collection method: clinical testing. Allele origin: germline. Not counted in ClinVar's aggregate classification.
Comment: PVS1: Frameshift indel introduces premature stop codon in gene with loss of function as mechanism of disease, predicted to undergo NMD; PM2: Maximum gnomAD MAF of 0.0046% in European-Non Finnish (NFE) subpopulation (<0.296% threshold); PM3: Variant reported in trans with 1 pathogenic variant in 1 individual affected with cystic fibrosis, confirmed with parental testing (PMID: 30244528)

Mayo Clinic Laboratories, Mayo Clinic
Classification: Pathogenic. Last evaluated: 2025-10-09. Review status: criteria provided, single submitter. Criteria: ACMG Guidelines, 2015. Collection method: clinical testing. Allele origin: germline. Observed: 1 variant allele. Not counted in ClinVar's aggregate classification.
Comment: PM3_very_strong, PVS1

Ambry Genetics
Classification: Pathogenic for Cystic fibrosis. Last evaluated: 2025-04-11. Review status: criteria provided, single submitter. Criteria: Ambry Variant Classification Scheme 2023. Collection method: clinical testing. Allele origin: germline. Not counted in ClinVar's aggregate classification.
Comment: The c.1327_1330dupGATA pathogenic mutation, located in coding exon 10 of the CFTR gene, results from a duplication of GATA at nucleotide position 1327, causing a translational frameshift with a predicted alternate stop codon (p.I444Rfs*3). This alteration has been identified in multiple individuals diagnosed with cystic fibrosis (Zielenski et al. Hum. Mutat. 1995 ;5(1):43-7; Brennan ML et al. J Cyst Fibros, 2016 Jan;15:52-9; Cohen JL et al. Am J Med Genet A, 2018 10;176:2203-2214). A further study of 16 patients with this alteration determined that pulmonary disease, elevated sweat chloride levels, and pancreatic insufficiency were common features of individuals who had this alteration (Sosnay PR et al. Nat Genet. 2013;45(10):1160-1167). Of note this alteration is also described in the literature as 1461ins4 and c.1329_1330insAGAT. In addition to the clinical data presented in the literature, this alteration is expected to result in loss of function by premature protein truncation or nonsense-mediated mRNA decay. As such, this alteration is interpreted as a disease-causing mutation.

Johns Hopkins Genomics, Johns Hopkins University
Classification: Pathogenic for Cystic fibrosis. Last evaluated: 2024-10-15. Review status: criteria provided, single submitter. Criteria: ACMG Guidelines, 2015. Collection method: clinical testing. Allele origin: germline. Not counted in ClinVar's aggregate classification.
Comment: Disease-causing CFTR variant. See CFTR2 for phenotype information.

Labcorp Genetics (formerly Invitae), Labcorp
Classification: Pathogenic for Cystic fibrosis. Last evaluated: 2024-07-03. Review status: criteria provided, single submitter. Criteria: Invitae Variant Classification Sherloc (09022015). Collection method: clinical testing. Allele origin: germline. Not counted in ClinVar's aggregate classification.
Comment: This sequence change creates a premature translational stop signal (p.Ile444Argfs*3) in the CFTR gene. It is expected to result in an absent or disrupted protein product. Loss-of-function variants in CFTR are known to be pathogenic (PMID: 1695717, 7691345, 9725922). The frequency data for this variant in the population databases is considered unreliable, as metrics indicate poor data quality at this position in the gnomAD database. This premature translational stop signal has been observed in individual(s) with clinical features of cystic fibrosis (PMID: 7537150, 23974870). This variant is also known as 1461ins4 and c.1329_1330insAGAT. ClinVar contains an entry for this variant (Variation ID: 188958). Algorithms developed to predict the effect of sequence changes on RNA splicing suggest that this variant may disrupt the consensus splice site. For these reasons, this variant has been classified as Pathogenic.

Greenwood Genetic Center Diagnostic Laboratories, Greenwood Genetic Center
Classification: Pathogenic for Cystic fibrosis. Last evaluated: 2023-10-26. Review status: criteria provided, single submitter. Criteria: ACMG Guidelines, 2015. Collection method: clinical testing. Allele origin: germline. Affected: yes. Not counted in ClinVar's aggregate classification.
Comment: PVS1, PM2, PM3

Baylor Genetics
Classification: Pathogenic for Bronchiectasis with or without elevated sweat chloride 1. Last evaluated: 2023-09-13. Review status: criteria provided, single submitter. Criteria: ACMG Guidelines, 2015. Collection method: clinical testing. Allele origin: unknown. Not counted in ClinVar's aggregate classification.

PreventionGenetics, part of Exact Sciences
Classification: Pathogenic for CFTR-related condition. Last evaluated: 2022-09-07. Review status: criteria provided, single submitter. Criteria: ACMG Guidelines, 2015. Collection method: clinical testing. Allele origin: germline. Not counted in ClinVar's aggregate classification.
Comment: The CFTR c.1327_1330dupGATA variant is predicted to result in a frameshift and premature protein termination (p.Ile444Argfs*3). This variant has been reported as causative for cystic fibrosis (see for example Zielenski et al 1995. PubMed ID: 7537150; Sosnay PR et al 2013. PubMed ID: 23974870; Beauchamp KA et al 2019. PubMed ID: 31036917). This variant is reported in 0.0046% of alleles in individuals of European (Non-Finnish) descent in gnomAD. Frameshift variants in CFTR are expected to be pathogenic. This variant is interpreted as pathogenic.

Fulgent Genetics
Classification: Pathogenic for Hereditary pancreatitis; Bronchiectasis with or without elevated sweat chloride 1; Cystic fibrosis; Congenital bilateral aplasia of vas deferens from CFTR mutation. Last evaluated: 2022-05-18. Review status: criteria provided, single submitter. Criteria: ACMG Guidelines, 2015. Collection method: clinical testing. Allele origin: unknown. Not counted in ClinVar's aggregate classification.

Genome Diagnostics Laboratory, The Hospital for Sick Children
Classification: Pathogenic for Cystic fibrosis. Last evaluated: 2020-02-07. Review status: criteria provided, single submitter. Criteria: ACMG Guidelines, 2015. Collection method: clinical testing. Allele origin: germline. Not counted in ClinVar's aggregate classification.

Women's Health and Genetics/Laboratory Corporation of America, LabCorp
Classification: Pathogenic for Cystic fibrosis. Last evaluated: 2019-08-12. Review status: criteria provided, single submitter. Criteria: LabCorp Variant Classification Summary - May 2015. Collection method: clinical testing. Allele origin: germline. Not counted in ClinVar's aggregate classification.
Comment: Variant summary: CFTR c.1327_1330dupGATA (p.Ile444ArgfsX3) results in a premature termination codon, predicted to cause a truncation of the encoded protein or absence of the protein due to nonsense mediated decay, which are commonly known mechanisms for disease. The variant allele was found at a frequency of 2.5e-05 in 242172 control chromosomes (gnomAD). c.1327_1330dupGATA has been reported in the literature in multiple individuals affected with Cystic Fibrosis (e.g. Zielenski_1995, Sosnay_2013). These data indicate that the variant is very likely to be associated with disease. To our knowledge, no experimental evidence demonstrating an impact on protein function has been reported. Four submitters, including one expert panel (CFTR2) have provided clinical-significance assessments for this variant in ClinVar after 2014 (without evidence for independent evaluation), and all of them classified the variant as pathogenic. Based on the evidence outlined above, the variant was classified as pathogenic.

Eurofins Ntd Llc (ga)
Classification: Pathogenic. Last evaluated: 2018-09-18. Review status: criteria provided, single submitter. Criteria: EGL ClinVar v180209 classification definitions. Collection method: clinical testing. Allele origin: germline. Observed: 1 variant allele, 1 heterozygote. Not counted in ClinVar's aggregate classification.

Quest Diagnostics Nichols Institute San Juan Capistrano
Classification: Pathogenic. Last evaluated: 2017-05-22. Review status: criteria provided, single submitter. Criteria: Quest Diagnostics criteria. Collection method: clinical testing. Allele origin: germline. Not counted in ClinVar's aggregate classification.

Center for Pediatric Genomic Medicine, Children's Mercy Hospital and Clinics
Classification: Pathogenic. Last evaluated: 2015-02-19. Review status: criteria provided, single submitter. Criteria: ACMG Guidelines, 2015. Collection method: clinical testing. Allele origin: germline. Not counted in ClinVar's aggregate classification.

Genome Diagnostics Laboratory, The Hospital for Sick Children
Classification: Pathogenic for CFTR-related disorders. Last evaluated: 2020-02-07. Review status: no assertion criteria provided. Collection method: clinical testing. Allele origin: germline. Not counted in ClinVar's aggregate classification.

Counsyl
Classification: Pathogenic for Cystic fibrosis. Last evaluated: 2016-09-09. Review status: no assertion criteria provided. Collection method: clinical testing. Allele origin: unknown. Not counted in ClinVar's aggregate classification.

Literature cited by the submitters: PubMed 12454843 (cited by Natera, Inc.); PubMed 36437230 (cited by Natera, Inc.); PubMed 30244528 (cited by Otogenetics and Ambry Genetics); PubMed 23974870 (cited by 6 submitters); PubMed 25900089 (cited by 3 submitters); PubMed 31036917 (cited by Mayo Clinic Laboratories, Mayo Clinic); PubMed 32017858 (cited by Mayo Clinic Laboratories, Mayo Clinic); PubMed 34782259 (cited by Mayo Clinic Laboratories, Mayo Clinic); PubMed 37310422 (cited by Mayo Clinic Laboratories, Mayo Clinic); PubMed 7537150 (cited by 5 submitters); PubMed 12815607 (cited by Ambry Genetics); PubMed 1695717 (cited by Labcorp Genetics (formerly Invitae), Labcorp); PubMed 7691345 (cited by Labcorp Genetics (formerly Invitae), Labcorp); PubMed 9725922 (cited by Labcorp Genetics (formerly Invitae), Labcorp).